The following is an entry in ClinVar:

ClinVar aggregate classification (germline): Benign/Likely benign. Review status: criteria provided, multiple submitters, no conflicts (2 of 4 stars). 2 submissions from 2 submitters: Benign (1); Likely benign (1). Last evaluated 2024-03-01.

Allele frequency attached by ClinVar (database versions not stated): 1000 Genomes Project 30x 0.00078; 1000 Genomes Project 0.00100; gnomAD exomes 0.00494 and 0.00880; ExAC 0.00509; gnomAD 0.00511 and 0.00522; TOPMed 0.00519; ESP Exome Variant Server 0.00723.
gnomAD v4.1: 13,636 of 1,613,376 alleles (0.85%); highest among the groups gnomAD compares: Non-Finnish European, 1%; 80 homozygotes.

Submissions (2):

CeGaT Center for Human Genetics Tuebingen
Classification: Likely benign. Last evaluated: 2024-03-01. Review status: criteria provided, single submitter. Criteria: CeGaT Center For Human Genetics Tuebingen Variant Classification Criteria Version 2. Collection method: clinical testing. Allele origin: germline. Affected: yes. Observed: 3 variant alleles.
Comment: ADAMTSL1: BP4, BS2

Labcorp Genetics (formerly Invitae), Labcorp
Classification: Benign. Last evaluated: 2019-12-31. Review status: criteria provided, single submitter. Criteria: Invitae Variant Classification Sherloc (09022015). Collection method: clinical testing. Allele origin: germline.

NM_001040272.6(ADAMTSL1):c.3678-8C>T

Gene: ADAMTSL1 (ADAMTS like 1; plus strand). Cytogenetic location: 9p22.1.
Variant type: single nucleotide variant.
Coding change: c.3678-8C>T on transcript NM_001040272.6 (MANE Select); 8 bases into the intron before coding-DNA position 3678, C replaced by T.
Molecular consequence: intron variant.
Genome position (GRCh38, 1-based): chr9:18,795,389, C>T. VCF-style: chr9-18795389-C-T. GRCh37 (hg19) VCF-style: chr9-18795387-C-T.
Identifiers: ClinVar variation 774884 (VCV000774884.28), dbSNP rs143893032, ClinGen allele CA4999818.